The following is an entry in ClinVar:

ClinVar aggregate classification (germline): Uncertain significance (1 of 4 stars; one submission).

Conditions:
Dystonic disorder. Also called: Dystonia. Identifiers: MedGen C0013421, MONDO:0003441, HP:0001332.

Submission:

Labcorp Genetics (formerly Invitae), Labcorp
Classification: Uncertain significance for Dystonic disorder. Last evaluated: 2023-10-12. Review status: criteria provided, single submitter. Criteria: Invitae Variant Classification Sherloc (09022015). Collection method: clinical testing. Allele origin: germline.
Comment: This sequence change replaces alanine, which is neutral and non-polar, with threonine, which is neutral and polar, at codon 618 of the ANO3 protein (p.Ala618Thr). This variant is not present in population databases (gnomAD no frequency). This variant has not been reported in the literature in individuals affected with ANO3-related conditions. Advanced modeling of protein sequence and biophysical properties (such as structural, functional, and spatial information, amino acid conservation, physicochemical variation, residue mobility, and thermodynamic stability) performed at Invitae indicates that this missense variant is expected to disrupt ANO3 protein function. In summary, the available evidence is currently insufficient to determine the role of this variant in disease. Therefore, it has been classified as a Variant of Uncertain Significance.

NM_031418.4(ANO3):c.1852G>A (p.Ala618Thr)

Gene: ANO3 (anoctamin 3; plus strand). Cytogenetic location: 11p14.2.
Variant type: single nucleotide variant.
Coding change: c.1852G>A on transcript NM_031418.4 (MANE Select); coding-DNA position 1852, G replaced by A.
Protein change: p.Ala618Thr; replaces alanine 618 with threonine.
Molecular consequence: missense variant.
Genome position (GRCh38, 1-based): chr11:26,624,477, G>A. VCF-style: chr11-26624477-G-A. GRCh37 (hg19) VCF-style: chr11-26646024-G-A.
Other names: c.2035G>A, p.Ala679Thr (NM_001313726.2); c.1414G>A, p.Ala472Thr (NM_001313727.2); short protein forms A472T, A618T, A679T.
Identifiers: ClinVar variation 2839608 (VCV002839608.3), dbSNP rs2538975147, ClinGen allele CA379932294.